The following is an entry in ClinVar:

NM_004782.4(SNAP29):c.*740C>T

Gene: SNAP29 (synaptosome associated protein 29; plus strand). Cytogenetic location: 22q11.21.
Variant type: single nucleotide variant.
Coding change: c.*740C>T on transcript NM_004782.4 (MANE Select); 740 bases downstream of the stop codon, C replaced by T.
Molecular consequence: 3 prime UTR variant.
Genome position (GRCh38, 1-based): chr22:20,888,576, C>T. VCF-style: chr22-20888576-C-T. GRCh37 (hg19) VCF-style: chr22-21242864-C-T.
Identifiers: ClinVar variation 340856 (VCV000340856.6), dbSNP rs79383799, ClinGen allele CA10650905.

ClinVar aggregate classification (germline): Benign. Review status: criteria provided, multiple submitters, no conflicts (2 of 4 stars). 2 submissions from 2 submitters: Benign (2). Last evaluated 2018-01-12.

Conditions:
CEDNIK syndrome. Also called: CEREBRAL DYSGENESIS, NEUROPATHY, ICHTHYOSIS, AND PALMOPLANTAR KERATODERMA SYNDROME; Cerebral dysgenesis, neuropathy, ichthyosis, and palmoplantar keratoderma. Identifiers: Orphanet 66631, MedGen C1836033, MONDO:0012290, OMIM 609528.

Allele frequency attached by ClinVar (database versions not stated): 1000 Genomes Project 30x 0.02826; gnomAD 0.02894 and 0.02974; 1000 Genomes Project 0.02935; TOPMed 0.02979; gnomAD exomes 0.04039.
gnomAD v4.1: 4,584 of 153,586 alleles (3%); highest among the groups gnomAD compares: Middle Eastern, 6.4%; 89 homozygotes.

Submissions (2):

Illumina Laboratory Services, Illumina
Classification: Benign for CEDNIK syndrome. Last evaluated: 2018-01-12. Review status: criteria provided, single submitter. Criteria: ICSL Variant Classification Criteria 13 December 2019. Collection method: clinical testing. Allele origin: germline.
Comment: This variant was observed in the ICSL laboratory as part of a predisposition screen in an ostensibly healthy population. It had not been previously curated by ICSL or reported in the Human Gene Mutation Database (HGMD: prior to June 1st, 2018), and was therefore a candidate for classification through an automated scoring system. Utilizing variant allele frequency, disease prevalence and penetrance estimates, and inheritance mode, an automated score was calculated to assess if this variant is too frequent to cause the disease. Based on the score and internal cut-off values, a variant classified as benign is not then subjected to further curation. The score for this variant resulted in a classification of benign for this disease.

Breakthrough Genomics
Classification: Benign. Review status: criteria provided, single submitter. Criteria: ACMG Guidelines, 2015. Collection method: not provided. Allele origin: germline. Inheritance: Autosomal recessive inheritance. Affected: yes.